The following is an entry in ClinVar:

ClinVar aggregate classification (germline): Uncertain significance (1 of 4 stars; one submission).

Conditions:
Epidermolysis bullosa simplex 3, localized or generalized intermediate, with BP230 deficiency (EBS3). Also called: Epidermolysis bullosa simplex due to BP230 deficiency; Epidermolysis bullosa simplex, autosomal recessive 2. Identifiers: Orphanet 412181, MedGen C3809470, MONDO:0014180, OMIM 615425.
Hereditary sensory and autonomic neuropathy type 6. Also called: HSAN VI; Neuropathy, hereditary sensory and autonomic, type VI. Identifiers: Orphanet 314381, MedGen C3539003, MONDO:0013839, OMIM 614653.

Allele frequency attached by ClinVar (database versions not stated): ExAC 0.00002.

Submission:

Labcorp Genetics (formerly Invitae), Labcorp
Classification: Uncertain significance for Epidermolysis bullosa simplex 3, localized or generalized intermediate, with BP230 deficiency; Hereditary sensory and autonomic neuropathy type 6. Last evaluated: 2020-05-05. Review status: criteria provided, single submitter. Criteria: Invitae Variant Classification Sherloc (09022015). Collection method: clinical testing. Allele origin: germline.
Comment: In summary, the available evidence is currently insufficient to determine the role of this variant in disease. Therefore, it has been classified as a Variant of Uncertain Significance. Algorithms developed to predict the effect of missense changes on protein structure and function are either unavailable or do not agree on the potential impact of this missense change (SIFT: "Not Available"; PolyPhen-2: "Not Available"; Align-GVGD: "Not Available"). This variant has not been reported in the literature in individuals with DST-related conditions. This variant is present in population databases (rs772254325, ExAC 0.004%). This sequence change replaces alanine with threonine at codon 4768 of the DST protein (p.Ala4768Thr). The alanine residue is moderately conserved and there is a small physicochemical difference between the two amino acids. The DST gene has multiple clinically relevant transcripts. This variant occurs in alternate transcript NM_015548.4, and corresponds to NM_001723.5:c.*144261G>A in the primary transcript.

NM_001374736.1(DST):c.22171G>A (p.Ala7391Thr)

Gene: DST (dystonin; minus strand). Cytogenetic location: 6p12.1.
Variant type: single nucleotide variant.
Coding change: c.22171G>A on transcript NM_001374736.1 (MANE Select); coding-DNA position 22171, G replaced by A.
Protein change: p.Ala7391Thr; replaces alanine 7391 with threonine.
Molecular consequence: missense variant.
Genome position (GRCh38, 1-based): chr6:56,471,256, C>T on the plus strand (G>A on the coding strand, the complement: DST is on the minus strand). VCF-style: chr6-56471256-C-T. GRCh37 (hg19) VCF-style: chr6-56336054-C-T.
Other names: c.15814G>A, p.Ala5272Thr (NM_001144769.5); c.15400G>A, p.Ala5134Thr (NM_001144770.2); c.22171G>A, p.Ala7391Thr (NM_001374722.1); c.21211G>A, p.Ala7071Thr (NM_001374729.1); c.14953G>A, p.Ala4985Thr (NM_001374730.1); c.22198G>A, p.Ala7400Thr (NM_001374734.1); c.15280G>A, p.Ala5094Thr (NM_001386100.1, NM_183380.4); c.14302G>A, p.Ala4768Thr (NM_015548.5); short protein forms A4768T, A4985T, A5094T, A5134T, A5272T, A7071T, A7391T, A7400T.
Identifiers: ClinVar variation 1009975 (VCV001009975.7), dbSNP rs772254325, ClinGen allele CA3866304.